The following is an entry in ClinVar:

ClinVar aggregate classification (germline): Uncertain significance (1 of 4 stars; one submission).

Conditions:
Inborn genetic diseases. Identifiers: MedGen C0950123, MeSH D030342.

gnomAD v4.1: 2 of 1,614,158 alleles (0.00012%); highest among the groups gnomAD compares: Non-Finnish European, 0.00017%; no homozygotes.

Submission:

Ambry Genetics
Classification: Uncertain significance for Inborn genetic diseases. Last evaluated: 2025-03-26. Review status: criteria provided, single submitter. Criteria: Ambry Variant Classification Scheme 2023. Collection method: clinical testing. Allele origin: germline.
Comment: The p.E368Q variant (also known as c.1102G>C), located in coding exon 12 of the ASXL1 gene, results from a G to C substitution at nucleotide position 1102. The glutamic acid at codon 368 is replaced by glutamine, an amino acid with highly similar properties. This amino acid position is conserved. In addition, this alteration is predicted to be tolerated by in silico analysis. Based on the available evidence, the clinical significance of this variant remains unclear.

NM_015338.6(ASXL1):c.1102G>C (p.Glu368Gln)

Gene: ASXL1 (ASXL transcriptional regulator 1; plus strand). Cytogenetic location: 20q11.21.
Variant type: single nucleotide variant.
Coding change: c.1102G>C on transcript NM_015338.6 (MANE Select); coding-DNA position 1102, G replaced by C.
Protein change: p.Glu368Gln; replaces glutamic acid 368 with glutamine.
Molecular consequence: missense variant.
Genome position (GRCh38, 1-based): chr20:32,433,300, G>C. VCF-style: chr20-32433300-G-C. GRCh37 (hg19) VCF-style: chr20-31021103-G-C.
Other names: c.919G>C, p.Glu307Gln (NM_001363734.1); short protein forms E307Q, E368Q.
Identifiers: ClinVar variation 3955206 (VCV003955206.1).